The following is an entry in ClinVar:

ClinVar aggregate classification (germline): Uncertain significance. Review status: criteria provided, multiple submitters, no conflicts (2 of 4 stars). 2 submissions from 2 submitters: Uncertain significance (2). Last evaluated 2025-04-16.

Submissions (2):

Women's Health and Genetics/Laboratory Corporation of America, LabCorp
Classification: Uncertain significance. Last evaluated: 2025-04-16. Review status: criteria provided, single submitter. Criteria: LabCorp Variant Classification Summary - May 2015. Collection method: clinical testing. Allele origin: germline.
Comment: Variant summary: ABHD12 c.128C>G (p.Thr43Arg) results in a non-conservative amino acid change in the encoded protein sequence. Three of four in-silico tools predict a benign effect of the variant on protein function. The variant was absent in 89242 control chromosomes (gnomAD). The available data on variant occurrences in the general population are insufficient to allow any conclusion about variant significance. To our knowledge, no occurrence of c.128C>G in individuals affected with PHARC syndrome and no experimental evidence demonstrating its impact on protein function have been reported. No submitters have cited clinical-significance assessments for this variant to ClinVar. Based on the evidence outlined above, the variant was classified as uncertain significance.

Blueprint Genetics
Classification: Uncertain significance. Last evaluated: 2021-07-01. Review status: criteria provided, single submitter. Criteria: ACMG Guidelines, 2015. Collection method: clinical testing. Allele origin: germline.

NM_001042472.3(ABHD12):c.128C>G (p.Thr43Arg)

Genes: ABHD12 (abhydrolase domain containing 12, lysophospholipase; minus strand), LOC130065586 (ATAC-STARR-seq lymphoblastoid silent region 12752; plus strand). Cytogenetic location: 20p11.21.
Variant type: single nucleotide variant.
Coding change: c.128C>G on transcript NM_001042472.3 (MANE Select); coding-DNA position 128, C replaced by G.
Protein change: p.Thr43Arg; replaces threonine 43 with arginine.
Molecular consequence: missense variant.
Genome position (GRCh38, 1-based): chr20:25,390,576, G>C on the plus strand (C>G on the coding strand, the complement: ABHD12 is on the minus strand). VCF-style: chr20-25390576-G-C. GRCh37 (hg19) VCF-style: chr20-25371212-G-C.
Other names: c.128C>G, p.Thr43Arg (NM_015600.5); short protein forms T43R.
Identifiers: ClinVar variation 3896226 (VCV003896226.3).